The following is an entry in ClinVar:

NM_001211.6(BUB1B):c.3136G>T (p.Ala1046Ser)

Genes: BUB1B (BUB1 mitotic checkpoint serine/threonine kinase B; plus strand), BUB1B-PAK6 (BUB1B-PAK6 readthrough; plus strand). Cytogenetic location: 15q15.1.
Variant type: single nucleotide variant.
Coding change: c.3136G>T on transcript NM_001211.6 (MANE Select); coding-DNA position 3136, G replaced by T.
Protein change: p.Ala1046Ser; replaces alanine 1046 with serine.
Molecular consequence: missense variant. On other transcripts: intron variant (2).
Genome position (GRCh38, 1-based): chr15:40,220,742, G>T. VCF-style: chr15-40220742-G-T. GRCh37 (hg19) VCF-style: chr15-40512943-G-T.
Other names: c.-201+3075G>T (NM_001128628.3); c.-118+3075G>T (NM_001128629.3); short protein forms A1046S.
Identifiers: ClinVar variation 3483131 (VCV003483131.1).

ClinVar aggregate classification (germline): Uncertain significance (1 of 4 stars; one submission).

Conditions:
Inborn genetic diseases. Identifiers: MedGen C0950123, MeSH D030342.

Submission:

Ambry Genetics
Classification: Uncertain significance for Inborn genetic diseases. Last evaluated: 2024-10-18. Review status: criteria provided, single submitter. Criteria: Ambry Variant Classification Scheme 2023. Collection method: clinical testing. Allele origin: germline.
Comment: The p.A1046S variant (also known as c.3136G>T), located in coding exon 23 of the BUB1B gene, results from a G to T substitution at nucleotide position 3136. The alanine at codon 1046 is replaced by serine, an amino acid with similar properties. This amino acid position is conserved. In addition, this alteration is predicted to be tolerated by in silico analysis. Based on the available evidence, the clinical significance of this variant remains unclear.